The following is an entry in ClinVar:

NM_001360.3(DHCR7):c.412+2T>C

Gene: DHCR7 (7-dehydrocholesterol reductase; minus strand). Cytogenetic location: 11q13.4.
Variant type: single nucleotide variant.
Coding change: c.412+2T>C on transcript NM_001360.3 (MANE Select); the canonical splice donor site of the intron after coding-DNA position 412, T replaced by C.
Molecular consequence: splice donor variant.
Genome position (GRCh38, 1-based): chr11:71,442,261, A>G on the plus strand (T>C on the coding strand, the complement: DHCR7 is on the minus strand). VCF-style: chr11-71442261-A-G. GRCh37 (hg19) VCF-style: chr11-71153307-A-G.
Other names: c.412+2T>C (NM_001163817.2).
Identifiers: ClinVar variation 2113572 (VCV002113572.4), dbSNP rs2539231409, ClinGen allele CA381694739.

ClinVar aggregate classification (germline): Likely pathogenic (1 of 4 stars; one submission).

Conditions:
Smith-Lemli-Opitz syndrome (SLOS). Also called: LETHAL ACRODYSGENITAL SYNDROME; POLYDACTYLY, SEX REVERSAL, RENAL HYPOPLASIA, AND UNILOBAR LUNG; RSH SYNDROME; RUTLEDGE LETHAL MULTIPLE CONGENITAL ANOMALY SYNDROME; 7-Dehydrocholesterol reductase deficiency. Identifiers: Orphanet 818, MedGen C0175694, MONDO:0010035, OMIM 270400.

Allele frequency attached by ClinVar (database versions not stated): gnomAD exomes 0.00001.
gnomAD v4.1: 5 of 1,604,590 alleles (0.00031%); highest among the groups gnomAD compares: Non-Finnish European, 0.00043%; no homozygotes.

Submission:

Labcorp Genetics (formerly Invitae), Labcorp
Classification: Likely pathogenic for Smith-Lemli-Opitz syndrome. Last evaluated: 2022-03-18. Review status: criteria provided, single submitter. Criteria: Invitae Variant Classification Sherloc (09022015). Collection method: clinical testing. Allele origin: germline.
Comment: Algorithms developed to predict the effect of sequence changes on RNA splicing suggest that this variant may disrupt the consensus splice site. This sequence change affects a donor splice site in intron 5 of the DHCR7 gene. It is expected to disrupt RNA splicing. Variants that disrupt the donor or acceptor splice site typically lead to a loss of protein function (PMID: 16199547), and loss-of-function variants in DHCR7 are known to be pathogenic (PMID: 9634533, 10677299). This variant is not present in population databases (gnomAD no frequency). This variant has not been reported in the literature in individuals affected with DHCR7-related conditions. In summary, the currently available evidence indicates that the variant is pathogenic, but additional data are needed to prove that conclusively. Therefore, this variant has been classified as Likely Pathogenic.

Literature cited by the submitters: PubMed 16199547; PubMed 9634533; PubMed 10677299.